The following is an entry in ClinVar:

NM_175914.5(HNF4A):c.868C>G (p.Arg290Gly)

Gene: HNF4A (hepatocyte nuclear factor 4 alpha; plus strand). Cytogenetic location: 20q13.12.
Variant type: single nucleotide variant.
Coding change: c.868C>G on transcript NM_175914.5 (MANE Select); coding-DNA position 868, C replaced by G.
Protein change: p.Arg290Gly; replaces arginine 290 with glycine.
Molecular consequence: missense variant.
Genome position (GRCh38, 1-based): chr20:44,424,059, C>G. VCF-style: chr20-44424059-C-G. GRCh37 (hg19) VCF-style: chr20-43052699-C-G.
Other names: c.934C>G, p.Arg312Gly (NM_000457.6, NM_178849.3, NM_178850.3); c.868C>G, p.Arg290Gly (NM_001030003.3, NM_001030004.3); c.913C>G, p.Arg305Gly (NM_001258355.2); c.859C>G, p.Arg287Gly (NM_001287182.2, NM_001287183.2, NM_001287184.2); short protein forms R290G, R305G, R312G, R287G.
Identifiers: ClinVar variation 2762116 (VCV002762116.5), dbSNP rs1555817727, ClinGen allele CA409108069.

ClinVar aggregate classification (germline): Conflicting classifications of pathogenicity. Review status: criteria provided, conflicting classifications (1 of 4 stars). 3 submissions from 3 submitters: Likely pathogenic (1); Uncertain significance (2). Last evaluated 2025-03-06.

Submissions (3):

Athena Diagnostics
Classification: Uncertain significance. Last evaluated: 2025-03-06. Review status: criteria provided, single submitter. Criteria: Athena Diagnostics Criteria. Collection method: clinical testing. Allele origin: unknown.
Comment: Available data are insufficient to determine the clinical significance of the variant at this time. This variant has not been reported in large, multi-ethnic general populations. Multiple missense variants at this codon have been reported in individuals with clinical features associated with this gene. At least one of those variants is considered to be pathogenic or likely pathogenic, suggesting this variant also causes disease. Polyphen and MutationTaster predict this amino acid change may be damaging to the protein.

Labcorp Genetics (formerly Invitae), Labcorp
Classification: Uncertain significance. Last evaluated: 2025-01-15. Review status: criteria provided, single submitter. Criteria: Invitae Variant Classification Sherloc (09022015). Collection method: clinical testing. Allele origin: germline.
Comment: This sequence change replaces arginine, which is basic and polar, with glycine, which is neutral and non-polar, at codon 290 of the HNF4A protein (p.Arg290Gly). This variant is not present in population databases (gnomAD no frequency). This variant has not been reported in the literature in individuals affected with HNF4A-related conditions. ClinVar contains an entry for this variant (Variation ID: 2762116). Invitae Evidence Modeling of protein sequence and biophysical properties (such as structural, functional, and spatial information, amino acid conservation, physicochemical variation, residue mobility, and thermodynamic stability) has been performed for this missense variant. However, the output from this modeling did not meet the statistical confidence thresholds required to predict the impact of this variant on HNF4A protein function. This variant disrupts the p.Arg290 amino acid residue in HNF4A. Other variant(s) that disrupt this residue have been determined to be pathogenic (PMID: 17407387, 26971647; internal data). This suggests that this residue is clinically significant, and that variants that disrupt this residue are likely to be disease-causing. In summary, the available evidence is currently insufficient to determine the role of this variant in disease. Therefore, it has been classified as a Variant of Uncertain Significance.

ARUP Laboratories, Molecular Genetics and Genomics, ARUP Laboratories
Classification: Likely pathogenic. Last evaluated: 2024-11-01. Review status: criteria provided, single submitter. Criteria: ARUP Molecular Germline Variant Investigation Process 2024. Collection method: clinical testing. Allele origin: germline.
Comment: The HNF4A c.868C>G; p.Arg290Gly variant, to our knowledge, is not reported in the medical literature but is reported in ClinVar (Variation ID: 2762116).This variant is also absent from the Genome Aggregation Database (v2.1.1), indicating it is not a common polymorphism. Computational analyses predict that this variant is deleterious (REVEL: 0.931). Additionally, other variants at this codon (c.868C>T, Arg290Cys; c.869G>A, Arg290His) have been reported in individuals with MODY and are considered pathogenic (Mirshahi 2022). Based on available information, this variant is considered to be likely pathogenic. References: Mirshahi UL et al. Reduced penetrance of MODY-associated HNF1A/HNF4A variants but not GCK variants in clinically unselected cohorts. Am J Hum Genet. 2022 Nov 3;109(11):2018-2028. PMID: 36257325.

Literature cited by the submitters: PubMed 17407387 (cited by Labcorp Genetics (formerly Invitae), Labcorp); PubMed 26971647 (cited by Labcorp Genetics (formerly Invitae), Labcorp).